The following is an entry in ClinVar:

ClinVar aggregate classification (germline): Uncertain significance (1 of 4 stars; one submission).

Conditions:
Inborn genetic diseases. Identifiers: MedGen C0950123, MeSH D030342.

gnomAD v4.1: 1 of 1,613,504 alleles (0.000062%); highest among the groups gnomAD compares: Non-Finnish European, 0.000085%; no homozygotes.

Submission:

Ambry Genetics
Classification: Uncertain significance for Inborn genetic diseases. Last evaluated: 2025-05-17. Review status: criteria provided, single submitter. Criteria: Ambry Variant Classification Scheme 2023. Collection method: clinical testing. Allele origin: germline.
Comment: The p.I75V variant (also known as c.223A>G), located in coding exon 3 of the AKT1 gene, results from an A to G substitution at nucleotide position 223. The isoleucine at codon 75 is replaced by valine, an amino acid with highly similar properties. This amino acid position is conserved. In addition, the in silico prediction for this alteration is inconclusive. Based on the available evidence, the clinical significance of this variant remains unclear.

NM_001382430.1(AKT1):c.223A>G (p.Ile75Val)

Gene: AKT1 (AKT serine/threonine kinase 1; minus strand). Cytogenetic location: 14q32.33.
Variant type: single nucleotide variant.
Coding change: c.223A>G on transcript NM_001382430.1 (MANE Select); coding-DNA position 223, A replaced by G.
Protein change: p.Ile75Val; replaces isoleucine 75 with valine.
Molecular consequence: missense variant.
Genome position (GRCh38, 1-based): chr14:104,776,723, T>C on the plus strand (A>G on the coding strand, the complement: AKT1 is on the minus strand). VCF-style: chr14-104776723-T-C. GRCh37 (hg19) VCF-style: chr14-105243060-T-C.
Other names: c.223A>G, p.Ile75Val (NM_001014431.2, NM_001014432.2, NM_001382431.1 and 3 more transcripts); short protein forms I75V.
Identifiers: ClinVar variation 4036114 (VCV004036114.1).
Genomic context (GRCh38, chr14:104,776,723, plus strand): 5'-CCTCAGGAGTCTCCACATGGAAGGTGCGTTCGATGACAGTGGTCCACTGCAGGCAGCGGA[T>C]GATGAAGGTGTTGGGCCGGGGCCGCTCCGTCTTCATCAGCTGGCACTCTGCGGGCAGGCA-3'
Protein context (NP_001369359.1, residues 65-85): TERPRPNTFI[Ile75Val]RCLQWTTVIE